The following is an entry in ClinVar:

ClinVar aggregate classification (germline): Likely benign (0 of 4 stars; one submission).

Conditions:
PML-related disorder. Also called: PML-related condition.

Allele frequency attached by ClinVar (database versions not stated): 1000 Genomes Project 30x 0.00031; 1000 Genomes Project 0.00040; ExAC 0.00134; gnomAD 0.00147; TOPMed 0.00148; ESP Exome Variant Server 0.00216; gnomAD exomes 0.00268.
gnomAD v4.1: 4,065 of 1,613,852 alleles (0.25%); highest among the groups gnomAD compares: Non-Finnish European, 0.33%; 4 homozygotes.

Submission:

PreventionGenetics, part of Exact Sciences
Classification: Likely benign for PML-related condition. Last evaluated: 2022-04-08. Review status: no assertion criteria provided. Collection method: clinical testing. Allele origin: germline.
Comment: This variant is classified as likely benign based on ACMG/AMP sequence variant interpretation guidelines (Richards et al. 2015 PMID: 25741868, with internal and published modifications).

NM_033238.3(PML):c.2174A>G (p.Lys725Arg)

Gene: PML (PML nuclear body scaffold; plus strand). Cytogenetic location: 15q24.1.
Variant type: single nucleotide variant.
Coding change: c.2174A>G on transcript NM_033238.3 (MANE Select); coding-DNA position 2174, A replaced by G.
Protein change: p.Lys725Arg; replaces lysine 725 with arginine.
Molecular consequence: missense variant.
Genome position (GRCh38, 1-based): chr15:74,044,533, A>G. VCF-style: chr15-74044533-A-G. GRCh37 (hg19) VCF-style: chr15-74336874-A-G.
Other names: short protein forms K725R.
Identifiers: ClinVar variation 3038843 (VCV003038843.2), dbSNP rs111398700, ClinGen allele CA7653085.